The following is an entry in ClinVar:

ClinVar aggregate classification (germline): Pathogenic. Review status: criteria provided, multiple submitters, no conflicts (2 of 4 stars). 7 submissions from 7 submitters: Pathogenic (5). 2 of the submissions do not count toward it. Last evaluated 2024-04-07.

Conditions:
Xeroderma pigmentosum group A (XPA). Also called: Xeroderma pigmentosum, complementation group A; XP, group A; XPA-Related Xeroderma Pigmentosum. Identifiers: Orphanet 910, MedGen C0268135, MONDO:0010210, OMIM 278700.
Xeroderma pigmentosum (XP). Identifiers: Orphanet 910, MedGen C0043346, MONDO:0019600.

Submissions (7):

Fulgent Genetics
Classification: Pathogenic for Xeroderma pigmentosum group A. Last evaluated: 2024-04-07. Review status: criteria provided, single submitter. Criteria: ACMG Guidelines, 2015. Collection method: clinical testing. Allele origin: germline.

Baylor Genetics
Classification: Pathogenic for Xeroderma pigmentosum group A. Last evaluated: 2024-02-08. Review status: criteria provided, single submitter. Criteria: ACMG Guidelines, 2015. Collection method: clinical testing. Allele origin: unknown.

Revvity Omics, Revvity
Classification: Pathogenic for Xeroderma pigmentosum group A. Last evaluated: 2023-12-15. Review status: criteria provided, single submitter. Criteria: ACMG Guidelines, 2015. Collection method: clinical testing. Allele origin: germline.

Labcorp Genetics (formerly Invitae), Labcorp
Classification: Pathogenic. Last evaluated: 2023-11-29. Review status: criteria provided, single submitter. Criteria: Invitae Variant Classification Sherloc (09022015). Collection method: clinical testing. Allele origin: germline.
Comment: This sequence change creates a premature translational stop signal (p.Leu117Glufs*4) in the XPA gene. It is expected to result in an absent or disrupted protein product. Loss-of-function variants in XPA are known to be pathogenic (PMID: 27607234). This variant is present in population databases (no rsID available, gnomAD 0.003%). This premature translational stop signal has been observed in individual(s) with xeroderma pigmentosum (PMID: 1339397, 19917958). ClinVar contains an entry for this variant (Variation ID: 994). Algorithms developed to predict the effect of sequence changes on RNA splicing suggest that this variant may disrupt the consensus splice site. For these reasons, this variant has been classified as Pathogenic.

Women's Health and Genetics/Laboratory Corporation of America, LabCorp
Classification: Pathogenic for Xeroderma pigmentosum. Last evaluated: 2018-05-11. Review status: criteria provided, single submitter. Criteria: LabCorp Variant Classification Summary - May 2015. Collection method: clinical testing. Allele origin: germline.
Comment: Variant summary: XPA c.349_353delCTTAT (p.Leu117GlufsX4) results in a premature termination codon, predicted to cause a truncation of the encoded protein or absence of the protein due to nonsense mediated decay, which are commonly known mechanisms for disease. The variant allele was found at a frequency of 7.2e-06 in 276628 control chromosomes (gnomAD). This frequency is not significantly higher than expected for a pathogenic variant in XPA causing Xeroderma Pigmentosum (7.2e-06 vs 1.60e-03), allowing no conclusion about variant significance. The variant, c.349_353delCTTAT, has been reported in the literature in individuals affected with Xeroderma Pigmentosum (Ghafouri-Fard_2016, Christen-Zaech_2009, States_1998) where it was found to co-segregate with disease. These data indicate that the variant is likely to be associated with disease. At-least one study reports a hypersensitivity of patient derived fibroblasts to the killing effects of UV radiation, although quantitative data were not provided by the authors. No clinical diagnostic laboratories have submitted clinical-significance assessments for this variant to ClinVar after 2014. Based on the evidence outlined above, the variant was classified as pathogenic.

Counsyl
Classification: Pathogenic for Xeroderma pigmentosum group A. Last evaluated: 2017-09-26. Review status: no assertion criteria provided. Collection method: clinical testing. Allele origin: unknown. Not counted in ClinVar's aggregate classification.

OMIM
Classification: Pathogenic for XERODERMA PIGMENTOSUM, COMPLEMENTATION GROUP A. Last evaluated: 1992-03-01. Review status: no assertion criteria provided. Collection method: literature only. Allele origin: germline. Not counted in ClinVar's aggregate classification.

Literature cited by the submitters: PubMed 27607234 (cited by Labcorp Genetics (formerly Invitae), Labcorp); PubMed 1339397 (cited by Labcorp Genetics (formerly Invitae), Labcorp and OMIM); PubMed 19917958 (cited by 3 submitters); PubMed 9671271 (cited by Women's Health and Genetics/Laboratory Corporation of America, LabCorp); PubMed 26302748 (cited by Women's Health and Genetics/Laboratory Corporation of America, LabCorp); PubMed 25566891 (cited by Counsyl).

NM_000380.4(XPA):c.349_353del (p.Leu117fs)

Gene: XPA (XPA, DNA damage recognition and repair factor; minus strand). Cytogenetic location: 9q22.33.
Variant type: Microsatellite.
Coding change: c.349_353del on transcript NM_000380.4 (MANE Select); coding-DNA positions 349 to 353, 5 bases deleted (CTTAT; older notation c.349_353delCTTAT).
Protein change: p.Leu117fs; shifts the reading frame from leucine 117.
Molecular consequence: frameshift variant. On other transcripts: non-coding transcript variant (2).
Genome position (GRCh38, 1-based): chr9:97,689,570-97,689,574, ATAAG deleted on the plus strand (CTTAT on the coding strand, the reverse complement: XPA is on the minus strand); deleting any 5 consecutive bases within chr9:97,689,570-97,689,580 gives the same sequence; the c. name uses the placement nearest the transcript's 3' end. VCF-style (leftmost placement, unchanged base first): chr9-97689569-CATAAG-C. GRCh37 (hg19) VCF-style: chr9-100451851-CATAAG-C.
Other names: c.349_353delCTTAT (NM_000380.3); c.349_353del5 (NM_000380.3); c.223_227del, p.Leu75fs (NM_001354975.2); short protein forms L117fs, L75fs.
Identifiers: ClinVar variation 994 (VCV000000994.19), dbSNP rs1200172747, ClinGen allele CA589324705.